The following is an entry in ClinVar:

ClinVar aggregate classification (germline): Likely benign. Review status: criteria provided, single submitter (1 of 4 stars). 2 submissions from 2 submitters: Likely benign (1). 1 of the submissions does not count toward it. Last evaluated 2025-11-18.

Conditions:
IFT88-related disorder. Also called: IFT88-related condition.

Allele frequency attached by ClinVar (database versions not stated): ESP Exome Variant Server 0.00008; gnomAD 0.00010; gnomAD exomes 0.00011; TOPMed 0.00012; ExAC 0.00016.
gnomAD v4.1: 187 of 1,575,316 alleles (0.012%); highest among the groups gnomAD compares: Middle Eastern, 0.12%; 1 homozygote.

Submissions (2):

Labcorp Genetics (formerly Invitae), Labcorp
Classification: Likely benign. Last evaluated: 2025-11-18. Review status: criteria provided, single submitter. Criteria: Invitae Variant Classification Sherloc (09022015). Collection method: clinical testing. Allele origin: germline.

PreventionGenetics, part of Exact Sciences
Classification: Likely benign for IFT88-related condition. Last evaluated: 2020-09-30. Review status: no assertion criteria provided. Collection method: clinical testing. Allele origin: germline. Not counted in ClinVar's aggregate classification.
Comment: This variant is classified as likely benign based on ACMG/AMP sequence variant interpretation guidelines (Richards et al. 2015 PMID: 25741868, with internal and published modifications).

NM_006531.5(IFT88):c.2175+10A>G

Gene: IFT88 (intraflagellar transport 88; plus strand). Cytogenetic location: 13q12.11.
Variant type: single nucleotide variant.
Coding change: c.2175+10A>G on transcript NM_006531.5 (MANE Select); 10 bases into the intron after coding-DNA position 2175, A replaced by G.
Molecular consequence: intron variant.
Genome position (GRCh38, 1-based): chr13:20,663,614, A>G. VCF-style: chr13-20663614-A-G. GRCh37 (hg19) VCF-style: chr13-21237753-A-G.
Other names: c.2202+10A>G (NM_001318493.2, NM_175605.5, NM_001353566.2 and 3 more transcripts); c.2175+10A>G (NM_001353568.2, NM_001353572.2); c.2100+10A>G (NM_001353570.2, NM_001353576.2, NM_001353577.2 and 1 more transcripts); c.2073+10A>G (NM_001353571.2, NM_001353578.2); c.1542+10A>G (NM_001353579.2); c.2242+10A>G (NM_001353575.2); c.2118+10A>G (NM_001318491.2); c.2031+10A>G (NM_001353573.2); and 1 more.
Identifiers: ClinVar variation 1981205 (VCV001981205.6), dbSNP rs376404653, ClinGen allele CA6905688.
Genomic context (GRCh38, chr13:20,663,614, plus strand): 5'-TATGCCAGAAAACTGAAGAGGTTGGAAAAAATGAAAGAAATAAGGGAACAGGTATCTCAT[A>G]TGGGCCCCAAACTGCAGTCTGTTAATTTTTAGAATGTCAGCCTTCTATAGCTCAAATGTG-3'